The following is an entry in ClinVar:

NM_006070.6(TFG):c.43G>A (p.Ala15Thr)

Gene: TFG (trafficking from ER to golgi regulator; plus strand). Cytogenetic location: 3q12.2.
Variant type: single nucleotide variant.
Coding change: c.43G>A on transcript NM_006070.6 (MANE Select); coding-DNA position 43, G replaced by A.
Protein change: p.Ala15Thr; replaces alanine 15 with threonine.
Molecular consequence: missense variant.
Genome position (GRCh38, 1-based): chr3:100,713,728, G>A. VCF-style: chr3-100713728-G-A. GRCh37 (hg19) VCF-style: chr3-100432572-G-A.
Other names: c.43G>A, p.Ala15Thr (NM_001007565.2, NM_001195478.2, NM_001195479.2); short protein forms A15T.
Identifiers: ClinVar variation 3761701 (VCV003761701.2).

ClinVar aggregate classification (germline): Uncertain significance (1 of 4 stars; one submission).

Conditions:
Hereditary spastic paraplegia 57. Also called: Spastic paraplegia 57, autosomal recessive. Identifiers: Orphanet 431329, MedGen C3714897, MONDO:0014295, OMIM 615658.
Hereditary motor and sensory neuropathy, Okinawa type (HMSNO). Also called: HEREDITARY MOTOR AND SENSORY NEUROPATHY, PROXIMAL TYPE. Identifiers: Orphanet 90117, MedGen C1858338, MONDO:0011468, OMIM 604484.

gnomAD v4.1: 10 of 1,610,610 alleles (0.00062%); highest among the groups gnomAD compares: African/African-American, 0.0027%; no homozygotes.

Submission:

Labcorp Genetics (formerly Invitae), Labcorp
Classification: Uncertain significance for Hereditary motor and sensory neuropathy, Okinawa type; Hereditary spastic paraplegia 57. Last evaluated: 2024-02-25. Review status: criteria provided, single submitter. Criteria: Invitae Variant Classification Sherloc (09022015). Collection method: clinical testing. Allele origin: germline.
Comment: This sequence change replaces alanine, which is neutral and non-polar, with threonine, which is neutral and polar, at codon 15 of the TFG protein (p.Ala15Thr). This variant is present in population databases (rs746764716, gnomAD 0.008%). This variant has not been reported in the literature in individuals affected with TFG-related conditions. Advanced modeling of protein sequence and biophysical properties (such as structural, functional, and spatial information, amino acid conservation, physicochemical variation, residue mobility, and thermodynamic stability) performed at Invitae indicates that this missense variant is expected to disrupt TFG protein function with a positive predictive value of 80%. In summary, the available evidence is currently insufficient to determine the role of this variant in disease. Therefore, it has been classified as a Variant of Uncertain Significance.